The following is an entry in ClinVar:

GRCh38/hg38 1q21.1-21.2(chr1:146106723-147844777)x3

Genes: ACP6 (acid phosphatase 6, lysophosphatidic; minus strand), BCL9 (BCL9 transcription coactivator; plus strand), CH17-408M7.1 (uncharacterized LOC102724558; plus strand), CHD1L (chromodomain helicase DNA binding protein 1 like; plus strand), FMO5 (flavin containing dimethylaniline monoxygenase 5; minus strand) and 31 more. Cytogenetic location: 1q21.1-21.2.
Variant type: copy number gain.
Change: copy number 3 (three copies instead of two) of chr1:146,106,723-147,844,777 (1.74 Mb, GRCh38 coordinates, 1-based), cytogenetic band 1q21.1-21.2.
Identifiers: ClinVar variation 4796030 (VCV004796030.1).

ClinVar aggregate classification (germline): Likely pathogenic (1 of 4 stars; one submission).

Submission:

Medical Genetic Center, Changzhi Maternal and Child Health Care Hospital
Classification: Likely pathogenic. Last evaluated: 2025-12-10. Review status: criteria provided, single submitter. Criteria: ACMG/ClinGen CNV Guidelines, 2019. Collection method: clinical testing. Allele origin: unknown.
Comment: 1q21.1 recurrent region (distal, BP3-BP4) (includes GJA5) (TS=2)